The following is an entry in ClinVar:

ClinVar aggregate classification (germline): Likely benign. Review status: criteria provided, multiple submitters, no conflicts (2 of 4 stars). 2 submissions from 2 submitters: Likely benign (2). Last evaluated 2023-03-01.

Submissions (2):

CeGaT Center for Human Genetics Tuebingen
Classification: Likely benign. Last evaluated: 2023-03-01. Review status: criteria provided, single submitter. Criteria: CeGaT Center For Human Genetics Tuebingen Variant Classification Criteria Version 2. Collection method: clinical testing. Allele origin: germline. Affected: yes. Observed: 2 variant alleles.
Comment: TRHDE: PM2:Supporting, BP4, BP7

Breakthrough Genomics
Classification: Likely benign. Review status: criteria provided, single submitter. Criteria: ACMG Guidelines, 2015. Collection method: not provided. Allele origin: germline. Inheritance: Unknown mechanism. Affected: yes.

NM_013381.3(TRHDE):c.1185T>G (p.Val395=)

Gene: TRHDE (thyrotropin releasing hormone degrading enzyme; plus strand). Cytogenetic location: 12q21.1.
Variant type: single nucleotide variant.
Coding change: c.1185T>G on transcript NM_013381.3 (MANE Select); coding-DNA position 1185, T replaced by G.
Protein change: p.Val395=; no amino-acid change (valine 395 retained).
Molecular consequence: synonymous variant.
Genome position (GRCh38, 1-based): chr12:72,286,951, T>G. VCF-style: chr12-72286951-T-G. GRCh37 (hg19) VCF-style: chr12-72680731-T-G.
Identifiers: ClinVar variation 2643180 (VCV002643180.25), dbSNP rs1261571869, ClinGen allele CA481017756.
Genomic context (GRCh38, chr12:72,286,951, plus strand): 5'-TTATTTAGCCTGGGCAATTTGCAACTTCACATACAGAGAAACTACCACCAAGAGTGGGGT[T>G]GTAGTAAGTATTTTCAGCTTAATGATGTTTTTGGATAATGTACACTCTGTAAAGTAACCT-3'
Protein context (NP_037513.2, residues 385-405): TYRETTTKSG[Val395=]VVRLYARPDA